The following is an entry in ClinVar:

NM_002579.3(PALM):c.512C>T (p.Ser171Leu)

Gene: PALM (paralemmin; plus strand). Cytogenetic location: 19p13.3.
Variant type: single nucleotide variant.
Coding change: c.512C>T on transcript NM_002579.3 (MANE Select); coding-DNA position 512, C replaced by T.
Protein change: p.Ser171Leu; replaces serine 171 with leucine.
Molecular consequence: missense variant. On other transcripts: intron variant (1).
Genome position (GRCh38, 1-based): chr19:740,361, C>T. VCF-style: chr19-740361-C-T. GRCh37 (hg19) VCF-style: chr19-740361-C-T.
Other names: c.512C>T (NM_002579.2); c.502+4283C>T (NM_001040134.2); short protein forms S171L.
Identifiers: ClinVar variation 1448243 (VCV001448243.9), dbSNP rs1051255493, ClinGen allele CA303943767.
Genomic context (GRCh38, chr19:740,361, plus strand): 5'-GGGGTGCGGGGGCGGGCAGGCCGTGGTGTAACCCCGTGACTCTCGTGCCAGCCATGTACT[C>T]GGTTGAGATCACTGTGGAGAAGGACAAGGTGACAGGGGAGACCAGGGTGCTGTCCAGCAC-3'
Protein context (NP_002570.2, residues 161-181): GSPMMKAAMY[Ser171Leu]VEITVEKDKV

ClinVar aggregate classification (germline): Uncertain significance. Review status: criteria provided, multiple submitters, no conflicts (2 of 4 stars). 2 submissions from 2 submitters: Uncertain significance (2). Last evaluated 2025-07-15.

Allele frequency attached by ClinVar (database versions not stated): gnomAD 0.00001 and 0.00002; TOPMed 0.00003.
gnomAD v4.1: 12 of 1,565,742 alleles (0.00077%); highest among the groups gnomAD compares: African/African-American, 0.0054%; no homozygotes.

Submissions (2):

Ambry Genetics
Classification: Uncertain significance. Last evaluated: 2025-07-15. Review status: criteria provided, single submitter. Criteria: Ambry Variant Classification Scheme 2023. Collection method: clinical testing. Allele origin: germline.

Labcorp Genetics (formerly Invitae), Labcorp
Classification: Uncertain significance. Last evaluated: 2021-03-22. Review status: criteria provided, single submitter. Criteria: Invitae Variant Classification Sherloc (09022015). Collection method: clinical testing. Allele origin: germline.
Comment: In summary, the available evidence is currently insufficient to determine the role of this variant in disease. Therefore, it has been classified as a Variant of Uncertain Significance. Algorithms developed to predict the effect of missense changes on protein structure and function are either unavailable or do not agree on the potential impact of this missense change (SIFT: "Deleterious"; PolyPhen-2: "Possibly Damaging"; Align-GVGD: "Class C0"). This variant has not been reported in the literature in individuals with PALM-related conditions. This variant is not present in population databases (ExAC no frequency). This sequence change replaces serine with leucine at codon 171 of the PALM protein (p.Ser171Leu). The serine residue is moderately conserved and there is a large physicochemical difference between serine and leucine.